The following is an entry in ClinVar:

ClinVar aggregate classification (germline): Uncertain significance (1 of 4 stars; one submission).

gnomAD v4.1: 2 of 1,613,764 alleles (0.00012%); highest among the groups gnomAD compares: Non-Finnish European, 0.00017%; no homozygotes.

Submission:

Dasa
Classification: Uncertain significance. Last evaluated: 2025-06-30. Review status: criteria provided, single submitter. Criteria: DASA Assertion Criteria. Collection method: clinical testing. Allele origin: germline.
Comment: NM_003922.4(HERC1):c.12001T>G (p.Leu4001Val) is a missense variant that results in the substitution of leucine with valine. This variant is rare in population databases. The currently available literature and clinical evidence are not sufficient to establish a definitive association between this variant and the reported condition. Therefore, this variant is classified as a variant of uncertain significance.

NM_003922.4(HERC1):c.12001T>G (p.Leu4001Val)

Gene: HERC1 (HECT and RLD domain containing E3 ubiquitin protein ligase family member 1; minus strand). Cytogenetic location: 15q22.31.
Variant type: single nucleotide variant.
Coding change: c.12001T>G on transcript NM_003922.4 (MANE Select); coding-DNA position 12001, T replaced by G.
Protein change: p.Leu4001Val; replaces leucine 4001 with valine.
Molecular consequence: missense variant.
Genome position (GRCh38, 1-based): chr15:63,638,503, A>C on the plus strand (T>G on the coding strand, the complement: HERC1 is on the minus strand). VCF-style: chr15-63638503-A-C. GRCh37 (hg19) VCF-style: chr15-63930702-A-C.
Other names: short protein forms L4001V.
Identifiers: ClinVar variation 4883147 (VCV004883147.2).